The following is an entry in ClinVar:

NM_004525.3(LRP2):c.3203C>G (p.Ser1068Ter)

Gene: LRP2 (LDL receptor related protein 2; minus strand). Cytogenetic location: 2q31.1.
Variant type: single nucleotide variant.
Coding change: c.3203C>G on transcript NM_004525.3 (MANE Select); coding-DNA position 3203, C replaced by G.
Protein change: p.Ser1068Ter; replaces serine 1068 with a stop codon.
Molecular consequence: nonsense.
Genome position (GRCh38, 1-based): chr2:169,244,920, G>C on the plus strand (C>G on the coding strand, the complement: LRP2 is on the minus strand). VCF-style: chr2-169244920-G-C. GRCh37 (hg19) VCF-style: chr2-170101430-G-C.
Other names: short protein forms S1068*.
Identifiers: ClinVar variation 2701591 (VCV002701591.3), dbSNP rs771941481, ClinGen allele CA349151972.

ClinVar aggregate classification (germline): Pathogenic (1 of 4 stars; one submission).

Submission:

Labcorp Genetics (formerly Invitae), Labcorp
Classification: Pathogenic. Last evaluated: 2023-12-09. Review status: criteria provided, single submitter. Criteria: Invitae Variant Classification Sherloc (09022015). Collection method: clinical testing. Allele origin: germline.
Comment: This sequence change creates a premature translational stop signal (p.Ser1068*) in the LRP2 gene. It is expected to result in an absent or disrupted protein product. Loss-of-function variants in LRP2 are known to be pathogenic (PMID: 17632512, 25682901). This variant is not present in population databases (gnomAD no frequency). This variant has not been reported in the literature in individuals affected with LRP2-related conditions. For these reasons, this variant has been classified as Pathogenic.

Literature cited by the submitters: PubMed 17632512; PubMed 25682901.